The following is an entry in ClinVar:

ClinVar aggregate classification (germline): Uncertain significance. Review status: criteria provided, multiple submitters, no conflicts (2 of 4 stars). 3 submissions from 3 submitters: Uncertain significance (3). Last evaluated 2026-01-13.

Conditions:
Primary failure of tooth eruption. Also called: PRIMARY RETENTION OF TEETH; UNERUPTED SECOND PRIMARY MOLAR; POSTERIOR OPENBITE MALOCCLUSION, FAMILIAL; DENTAL NONERUPTION. Identifiers: Orphanet 412206, MedGen C1852222, MONDO:0007434, OMIM 125350.
Chondrodysplasia Blomstrand type (BOCD). Identifiers: Orphanet 50945, MedGen C1859148, MONDO:0008970, OMIM 215045.
Eiken syndrome (EKNS). Also called: BONE MODELING DEFECT OF HANDS AND FEET. Identifiers: Orphanet 79106, MedGen C1838779, MONDO:0010803, OMIM 600002.
Metaphyseal chondrodysplasia, Jansen type. Also called: Metaphyseal chondrodysplasia Murk Jansen type; PTH1R-Related Jansen Metaphyseal Chondrodysplasia. Identifiers: Orphanet 33067, MedGen C0265295, MONDO:0007982, OMIM 156400.

Allele frequency attached by ClinVar (database versions not stated): gnomAD exomes 0.00002 and 0.00008; ExAC 0.00008; ESP Exome Variant Server 0.00008; 1000 Genomes Project 0.00080; 1000 Genomes Project 30x 0.00094.

Submissions (3):

Labcorp Genetics (formerly Invitae), Labcorp
Classification: Uncertain significance. Last evaluated: 2026-01-13. Review status: criteria provided, single submitter. Criteria: Invitae Variant Classification Sherloc (09022015). Collection method: clinical testing. Allele origin: germline.
Comment: This sequence change replaces proline, which is neutral and non-polar, with arginine, which is basic and polar, at codon 581 of the PTH1R protein (p.Pro581Arg). This variant is present in population databases (rs146163188, gnomAD 0.05%). This variant has not been reported in the literature in individuals affected with PTH1R-related conditions. ClinVar contains an entry for this variant (Variation ID: 1355949). An algorithm developed to predict the effect of missense changes on protein structure and function (PolyPhen-2) suggests that this variant is likely to be disruptive. In summary, the available evidence is currently insufficient to determine the role of this variant in disease. Therefore, it has been classified as a Variant of Uncertain Significance.

ARUP Laboratories, Molecular Genetics and Genomics, ARUP Laboratories
Classification: Uncertain significance. Last evaluated: 2023-07-27. Review status: criteria provided, single submitter. Criteria: ARUP Molecular Germline Variant Investigation Process 2024. Collection method: clinical testing. Allele origin: germline.
Comment: The PTH1R c.1742C>G; p.Pro581Arg variant (rs146163188) to our knowledge, is not reported in the medical literature but is reported in reported in ClinVar (Variation ID: 1355949). This variant is found in the general population with an overall allele frequency of 0.0085% (24/281,100 alleles, including 1 homozygote) in the Genome Aggregation Database. Computational analyses are uncertain whether this variant is neutral or deleterious (REVEL: 0.293). Due to limited information, the clinical significance of this variant is uncertain at this time.

Fulgent Genetics
Classification: Uncertain significance for Primary failure of tooth eruption; Metaphyseal chondrodysplasia, Jansen type; Chondrodysplasia Blomstrand type; Eiken syndrome. Last evaluated: 2022-05-26. Review status: criteria provided, single submitter. Criteria: ACMG Guidelines, 2015. Collection method: clinical testing. Allele origin: unknown.

NM_000316.3(PTH1R):c.1742C>G (p.Pro581Arg)

Gene: PTH1R (parathyroid hormone 1 receptor; plus strand). Cytogenetic location: 3p21.31.
Variant type: single nucleotide variant.
Coding change: c.1742C>G on transcript NM_000316.3 (MANE Select); coding-DNA position 1742, C replaced by G.
Protein change: p.Pro581Arg; replaces proline 581 with arginine.
Molecular consequence: missense variant.
Genome position (GRCh38, 1-based): chr3:46,903,616, C>G. VCF-style: chr3-46903616-C-G. GRCh37 (hg19) VCF-style: chr3-46945106-C-G.
Other names: c.1742C>G, p.Pro581Arg (NM_001184744.1); short protein forms P581R.
Identifiers: ClinVar variation 1355949 (VCV001355949.8), dbSNP rs146163188, ClinGen allele CA2359619.